The following is an entry in ClinVar:

ClinVar aggregate classification (germline): Conflicting classifications of pathogenicity. Review status: criteria provided, conflicting classifications (1 of 4 stars). 4 submissions from 4 submitters: Uncertain significance (2); Benign (1); Likely benign (1). Last evaluated 2025-05-06.

Conditions:
Inborn genetic diseases. Identifiers: MedGen C0950123, MeSH D030342.
Intellectual developmental disorder, X-linked, syndromic 14. Also called: Syndromic X-linked intellectual disability 14. Identifiers: Orphanet 776, MedGen C1970822, MONDO:0010398, OMIM 300676.

Allele frequency attached by ClinVar (database versions not stated): gnomAD exomes 0.00001 and 0.00002; gnomAD 0.00003; TOPMed 0.00004; ExAC 0.00001; 1000 Genomes Project 30x 0.00021; 1000 Genomes Project 0.00026.

Submissions (4):

Labcorp Genetics (formerly Invitae), Labcorp
Classification: Benign for Intellectual developmental disorder, X-linked, syndromic 14. Last evaluated: 2025-05-06. Review status: criteria provided, single submitter. Criteria: Invitae Variant Classification Sherloc (09022015). Collection method: clinical testing. Allele origin: germline.

Blueprint Genetics
Classification: Uncertain significance. Last evaluated: 2024-10-28. Review status: criteria provided, single submitter. Criteria: ACMG Guidelines, 2015. Collection method: clinical testing. Allele origin: germline.

GeneDx
Classification: Likely benign. Last evaluated: 2018-02-27. Review status: criteria provided, single submitter. Criteria: GeneDx Variant Classification (06012015). Collection method: clinical testing. Allele origin: germline. Affected: yes.
Comment: This variant is considered likely benign or benign based on one or more of the following criteria: it is a conservative change, it occurs at a poorly conserved position in the protein, it is predicted to be benign by multiple in silico algorithms, and/or has population frequency not consistent with disease.

Ambry Genetics
Classification: Uncertain significance for Inborn genetic diseases. Last evaluated: 2017-07-03. Review status: criteria provided, single submitter. Criteria: Ambry exome assertion method (8-5-2015). Collection method: clinical testing. Allele origin: germline. Affected: yes. Observed: 1 variant allele.

NM_080632.3(UPF3B):c.352G>A (p.Val118Ile)

Gene: UPF3B (UPF3B regulator of nonsense mediated mRNA decay; minus strand). Cytogenetic location: Xq24.
Variant type: single nucleotide variant.
Coding change: c.352G>A on transcript NM_080632.3 (MANE Select); coding-DNA position 352, G replaced by A.
Protein change: p.Val118Ile; replaces valine 118 with isoleucine.
Molecular consequence: missense variant.
Genome position (GRCh38, 1-based): chrX:119,851,513, C>T on the plus strand (G>A on the coding strand, the complement: UPF3B is on the minus strand). VCF-style: chrX-119851513-C-T. GRCh37 (hg19) VCF-style: chrX-118985476-C-T.
Other names: c.352G>A, p.Val118Ile (NM_023010.4); short protein forms V118I.
Identifiers: ClinVar variation 506445 (VCV000506445.7), dbSNP rs187600102, ClinGen allele CA10503339.